The following is an entry in ClinVar:

NM_001258392.3(CLPB):c.88G>A (p.Gly30Arg)

Genes: CLPB (ClpB family mitochondrial disaggregase; minus strand), LOC130006336 (ATAC-STARR-seq lymphoblastoid active region 5191; plus strand). Cytogenetic location: 11q13.4.
Variant type: single nucleotide variant.
Coding change: c.88G>A on transcript NM_001258392.3 (MANE Select); coding-DNA position 88, G replaced by A.
Protein change: p.Gly30Arg; replaces glycine 30 with arginine.
Molecular consequence: missense variant. On other transcripts: 5 prime UTR variant (1).
Genome position (GRCh38, 1-based): chr11:72,434,387, C>T on the plus strand (G>A on the coding strand, the complement: CLPB is on the minus strand). VCF-style: chr11-72434387-C-T. GRCh37 (hg19) VCF-style: chr11-72145431-C-T.
Other names: c.88G>A, p.Gly30Arg (NM_001258393.3, NM_030813.6); c.-155G>A (NM_001258394.3); short protein forms G30R.
Identifiers: ClinVar variation 2133248 (VCV002133248.4), dbSNP rs2496016778, ClinGen allele CA381963830.

ClinVar aggregate classification (germline): Uncertain significance (1 of 4 stars; one submission).

Conditions:
3-methylglutaconic aciduria, type VIIB (MGCA7B). Also called: 3-methylglutaconic aciduria with cataracts, neurologic involvement and neutropenia; CLPB Deficiency; 3-methylglutaconic aciduria, type VII, with cataracts, neurologic involvement and neutropenia. Identifiers: Orphanet 445038, MedGen C5676893, MONDO:0014561, OMIM 616271.

Submission:

Labcorp Genetics (formerly Invitae), Labcorp
Classification: Uncertain significance for 3-methylglutaconic aciduria, type VIIB. Last evaluated: 2022-10-12. Review status: criteria provided, single submitter. Criteria: Invitae Variant Classification Sherloc (09022015). Collection method: clinical testing. Allele origin: germline.
Comment: In summary, the available evidence is currently insufficient to determine the role of this variant in disease. Therefore, it has been classified as a Variant of Uncertain Significance. Algorithms developed to predict the effect of missense changes on protein structure and function output the following: SIFT: "Tolerated"; PolyPhen-2: "Benign"; Align-GVGD: "Class C0". The arginine amino acid residue is found in multiple mammalian species, which suggests that this missense change does not adversely affect protein function. This variant has not been reported in the literature in individuals affected with CLPB-related conditions. This variant is not present in population databases (gnomAD no frequency). This sequence change replaces glycine, which is neutral and non-polar, with arginine, which is basic and polar, at codon 30 of the CLPB protein (p.Gly30Arg).